The following is an entry in ClinVar:

ClinVar aggregate classification (germline): Likely pathogenic. Review status: criteria provided, multiple submitters, no conflicts (2 of 4 stars). 2 submissions from 2 submitters: Likely pathogenic (2). Last evaluated 2021-07-22.

Conditions:
Marfan syndrome (MFS). Also called: Marfan syndrome, classic; Marfan syndrome type 1; Marfan's syndrome; MARFAN SYNDROME, TYPE I; FBN1-Related Marfan Syndrome. Identifiers: Orphanet 284963, Orphanet 558, MedGen C0024796, MONDO:0007947, OMIM 154700.
Familial thoracic aortic aneurysm and aortic dissection (TAAD). Also called: Thoracic aortic aneurysms and dissections. Identifiers: Orphanet 91387, MedGen C4707243, MONDO:0019625.

Submissions (2):

Labcorp Genetics (formerly Invitae), Labcorp
Classification: Likely pathogenic for Marfan syndrome; Familial thoracic aortic aneurysm and aortic dissection. Last evaluated: 2021-07-22. Review status: criteria provided, single submitter. Criteria: Invitae Variant Classification Sherloc (09022015). Collection method: clinical testing. Allele origin: germline.

GeneDx
Classification: Likely pathogenic. Last evaluated: 2016-09-21. Review status: criteria provided, single submitter. Criteria: GeneDx Variant Classification (06012015). Collection method: clinical testing. Allele origin: germline. Affected: yes.
Comment: A likely pathogenic variant has been identified in the FBN1 gene. The C908S variant has not been published as apathogenic variant, nor has it been reported as a benign variant to our knowledge. C908S was not observed inapproximately 6,500 individuals of European and African American ancestry in the NHLBI Exome SequencingProject, indicating it is not a common benign variant in these populations. The C908S variant is conserved acrossspecies, and is a non-conservative amino acid substitution, which is likely to impact secondary protein structure asthese residues differ in polarity, charge, size and/or other properties. Consequently, in silico analysis predicts thisvariant is probably damaging to the protein structure/function. Multiple other missense variants at the same residue(C908G, C908R, C908Y) have been reported in the Human Gene Mutation Database in association with Marfansyndrome (Stenson et al., 2014); however, the pathogenicity of these variants has not been definitely determined dueto lack of segregation and functional data. Moreover, while the C908S variant affects a Cysteine residue, it is notlocated within a calcium-binding EGF-like domain of the FBN1 gene. Cysteine substitutions in the calcium-bindingEGF-like domains represent the majority of pathogenic missense changes associated with Marfan syndrome (Collod-Beroud et al., 2003).In summary, C908S in the FBN1 gene is interpreted as a likely pathogenic variant.

NM_000138.5(FBN1):c.2723G>C (p.Cys908Ser)

Gene: FBN1 (fibrillin 1; minus strand). Cytogenetic location: 15q21.1.
Variant type: single nucleotide variant.
Coding change: c.2723G>C on transcript NM_000138.5 (MANE Select); coding-DNA position 2723, G replaced by C.
Protein change: p.Cys908Ser; replaces cysteine 908 with serine.
Molecular consequence: missense variant.
Genome position (GRCh38, 1-based): chr15:48,494,209, C>G on the plus strand (G>C on the coding strand, the complement: FBN1 is on the minus strand). VCF-style: chr15-48494209-C-G. GRCh37 (hg19) VCF-style: chr15-48786406-C-G.
Other names: short protein forms C908S.
Identifiers: ClinVar variation 389343 (VCV000389343.5), dbSNP rs1057523406, ClinGen allele CA16607810.